The following is an entry in ClinVar:

ClinVar aggregate classification (germline): Uncertain significance (1 of 4 stars; one submission).

Allele frequency attached by ClinVar (database versions not stated): gnomAD exomes below 0.00001.
gnomAD v4.1: 1 of 1,614,004 alleles (0.000062%); highest among the groups gnomAD compares: Non-Finnish European, 0.000085%; no homozygotes.

Submission:

Ambry Genetics
Classification: Uncertain significance. Last evaluated: 2023-12-10. Review status: criteria provided, single submitter. Criteria: Ambry Variant Classification Scheme 2023. Collection method: clinical testing. Allele origin: germline.
Comment: The p.F700L variant (also known as c.2100T>G), located in coding exon 14 of the MYOM1 gene, results from a T to G substitution at nucleotide position 2100. The phenylalanine at codon 700 is replaced by leucine, an amino acid with highly similar properties. This amino acid position is conserved. In addition, the in silico prediction for this alteration is inconclusive. Since supporting evidence is limited at this time, the clinical significance of this alteration remains unclear.

NM_003803.4(MYOM1):c.2100T>G (p.Phe700Leu)

Gene: MYOM1 (myomesin 1; minus strand). Cytogenetic location: 18p11.31.
Variant type: single nucleotide variant.
Coding change: c.2100T>G on transcript NM_003803.4 (MANE Select); coding-DNA position 2100, T replaced by G.
Protein change: p.Phe700Leu; replaces phenylalanine 700 with leucine.
Molecular consequence: missense variant.
Genome position (GRCh38, 1-based): chr18:3,135,656, A>C on the plus strand (T>G on the coding strand, the complement: MYOM1 is on the minus strand). VCF-style: chr18-3135656-A-C. GRCh37 (hg19) VCF-style: chr18-3135654-A-C.
Other names: c.2100T>G, p.Phe700Leu (NM_019856.2); short protein forms F700L.
Identifiers: ClinVar variation 3223551 (VCV003223551.1), dbSNP rs2510637093, ClinGen allele CA401713091.